The following is an entry in ClinVar:

ClinVar aggregate classification (germline): Uncertain significance. Review status: criteria provided, multiple submitters, no conflicts (2 of 4 stars). 2 submissions from 2 submitters: Uncertain significance (2). Last evaluated 2024-11-25.

Conditions:
Aortic aneurysm, familial thoracic 4 (AAT4). Also called: AORTIC ANEURYSM/AORTIC DISSECTION AND PATENT DUCTUS ARTERIOSUS. Identifiers: MedGen C1851504, MONDO:0007568, OMIM 132900.
Familial thoracic aortic aneurysm and aortic dissection (TAAD). Also called: Thoracic aortic aneurysms and dissections. Identifiers: Orphanet 91387, MedGen C4707243, MONDO:0019625.

Allele frequency attached by ClinVar (database versions not stated): gnomAD exomes below 0.00001.
gnomAD v4.1: 1 of 1,613,126 alleles (0.000062%); highest among the groups gnomAD compares: Non-Finnish European, 0.000085%; no homozygotes.

Submissions (2):

Labcorp Genetics (formerly Invitae), Labcorp
Classification: Uncertain significance for Aortic aneurysm, familial thoracic 4. Last evaluated: 2024-11-25. Review status: criteria provided, single submitter. Criteria: Invitae Variant Classification Sherloc (09022015). Collection method: clinical testing. Allele origin: germline.
Comment: This sequence change replaces glutamic acid, which is acidic and polar, with glutamine, which is neutral and polar, at codon 1045 of the MYH11 protein (p.Glu1045Gln). This variant is not present in population databases (gnomAD no frequency). This variant has not been reported in the literature in individuals affected with MYH11-related conditions. ClinVar contains an entry for this variant (Variation ID: 3071312). Invitae Evidence Modeling of protein sequence and biophysical properties (such as structural, functional, and spatial information, amino acid conservation, physicochemical variation, residue mobility, and thermodynamic stability) indicates that this missense variant is not expected to disrupt MYH11 protein function with a negative predictive value of 95%. In summary, the available evidence is currently insufficient to determine the role of this variant in disease. Therefore, it has been classified as a Variant of Uncertain Significance.

All of Us Research Program, National Institutes of Health
Classification: Uncertain significance for Familial thoracic aortic aneurysm and aortic dissection. Last evaluated: 2023-05-31. Review status: criteria provided, single submitter. Criteria: ACMG Guidelines, 2015. Collection method: clinical testing. Allele origin: germline. Inheritance: Autosomal dominant inheritance. Observed: 1 variant allele, 1 heterozygote.
Comment: This study involves interpretation of variants in research participants for the purpose of population health screening. Participant phenotype was not available at the time of variant classification. Additional details can be found in publication PMID: 35346344, PMCID: PMC8962531

NM_002474.3(MYH11):c.3112G>C (p.Glu1038Gln)

Gene: MYH11 (myosin heavy chain 11; minus strand). Cytogenetic location: 16p13.11.
Variant type: single nucleotide variant.
Coding change: c.3112G>C on transcript NM_002474.3 (MANE Select); coding-DNA position 3112, G replaced by C.
Protein change: p.Glu1038Gln; replaces glutamic acid 1038 with glutamine.
Molecular consequence: missense variant.
Genome position (GRCh38, 1-based): chr16:15,738,574, C>G on the plus strand (G>C on the coding strand, the complement: MYH11 is on the minus strand). VCF-style: chr16-15738574-C-G. GRCh37 (hg19) VCF-style: chr16-15832431-C-G.
Other names: c.3133G>C, p.Glu1045Gln (NM_001040113.2, NM_001040114.2); c.3112G>C, p.Glu1038Gln (NM_022844.3); short protein forms E1038Q, E1045Q.
Identifiers: ClinVar variation 3071312 (VCV003071312.3), dbSNP rs2506191548, ClinGen allele CA394863589.